The following is an entry in ClinVar:

ClinVar aggregate classification (germline): Uncertain significance (1 of 4 stars; one submission).

Conditions:
Primary ciliary dyskinesia. Also called: Ciliary dyskinesia. Identifiers: Orphanet 244, MedGen C0008780, MONDO:0016575, HP:0012265.

Submission:

Labcorp Genetics (formerly Invitae), Labcorp
Classification: Uncertain significance for Primary ciliary dyskinesia. Last evaluated: 2022-09-01. Review status: criteria provided, single submitter. Criteria: Invitae Variant Classification Sherloc (09022015). Collection method: clinical testing. Allele origin: germline.
Comment: This sequence change replaces glutamic acid, which is acidic and polar, with lysine, which is basic and polar, at codon 43 of the DNAH11 protein (p.Glu43Lys). This variant is not present in population databases (gnomAD no frequency). In summary, the available evidence is currently insufficient to determine the role of this variant in disease. Therefore, it has been classified as a Variant of Uncertain Significance. Advanced modeling of protein sequence and biophysical properties (such as structural, functional, and spatial information, amino acid conservation, physicochemical variation, residue mobility, and thermodynamic stability) performed at Invitae indicates that this missense variant is not expected to disrupt DNAH11 protein function. This variant has not been reported in the literature in individuals affected with DNAH11-related conditions.

NM_001277115.2(DNAH11):c.127G>A (p.Glu43Lys)

Gene: DNAH11 (dynein axonemal heavy chain 11; plus strand). Cytogenetic location: 7p15.3.
Variant type: single nucleotide variant.
Coding change: c.127G>A on transcript NM_001277115.2 (MANE Select); coding-DNA position 127, G replaced by A.
Protein change: p.Glu43Lys; replaces glutamic acid 43 with lysine.
Molecular consequence: missense variant.
Genome position (GRCh38, 1-based): chr7:21,543,372, G>A. VCF-style: chr7-21543372-G-A. GRCh37 (hg19) VCF-style: chr7-21582990-G-A.
Other names: c.127G>A, p.Glu43Lys (NM_003777.3); short protein forms E43K.
Identifiers: ClinVar variation 1962914 (VCV001962914.5), dbSNP rs1583467748, ClinGen allele CA366931201.